The following is an entry in ClinVar:

ClinVar aggregate classification (germline): Uncertain significance (1 of 4 stars; one submission).

Allele frequency attached by ClinVar (database versions not stated): ExAC 0.00001; gnomAD exomes 0.00001.
gnomAD v4.1: 12 of 1,613,782 alleles (0.00074%); highest among the groups gnomAD compares: South Asian, 0.012%; no homozygotes.

Submission:

Labcorp Genetics (formerly Invitae), Labcorp
Classification: Uncertain significance. Last evaluated: 2022-08-19. Review status: criteria provided, single submitter. Criteria: Invitae Variant Classification Sherloc (09022015). Collection method: clinical testing. Allele origin: germline.
Comment: In summary, the available evidence is currently insufficient to determine the role of this variant in disease. Therefore, it has been classified as a Variant of Uncertain Significance. Algorithms developed to predict the effect of missense changes on protein structure and function (SIFT, PolyPhen-2, Align-GVGD) all suggest that this variant is likely to be tolerated. This variant has not been reported in the literature in individuals affected with HERC1-related conditions. This variant is present in population databases (rs756322318, gnomAD 0.01%). This sequence change replaces asparagine, which is neutral and polar, with aspartic acid, which is acidic and polar, at codon 1716 of the HERC1 protein (p.Asn1716Asp).

NM_003922.4(HERC1):c.5146A>G (p.Asn1716Asp)

Gene: HERC1 (HECT and RLD domain containing E3 ubiquitin protein ligase family member 1; minus strand). Cytogenetic location: 15q22.31.
Variant type: single nucleotide variant.
Coding change: c.5146A>G on transcript NM_003922.4 (MANE Select); coding-DNA position 5146, A replaced by G.
Protein change: p.Asn1716Asp; replaces asparagine 1716 with aspartic acid.
Molecular consequence: missense variant.
Genome position (GRCh38, 1-based): chr15:63,694,870, T>C on the plus strand (A>G on the coding strand, the complement: HERC1 is on the minus strand). VCF-style: chr15-63694870-T-C. GRCh37 (hg19) VCF-style: chr15-63987069-T-C.
Other names: short protein forms N1716D.
Identifiers: ClinVar variation 1930780 (VCV001930780.5), dbSNP rs756322318, ClinGen allele CA7605619.
Genomic context (GRCh38, chr15:63,694,870, plus strand): 5'-GGGTAGCAGACAACTGTTGATAAATTTTATGCACAGCTACCTGGATTTCAATCTGAATAT[T>C]TCTCTTAGCTGCTCTGATCCCATCCTGAATTACACATAAAGAATTACTTTTTCTATTAGC-3'
Protein context (NP_003913.3, residues 1706-1726): YQDGIRAAKR[Asn1716Asp]IQIEIQVAVH